The following is an entry in ClinVar:

NM_001461.4(FMO5):c.496A>G (p.Lys166Glu)

Genes: CHD1L (chromodomain helicase DNA binding protein 1 like; plus strand), FMO5 (flavin containing dimethylaniline monoxygenase 5; minus strand). Cytogenetic location: 1q21.1.
Variant type: single nucleotide variant.
Coding change: c.496A>G on transcript NM_001461.4 (MANE Select); coding-DNA position 496, A replaced by G.
Protein change: p.Lys166Glu; replaces lysine 166 with glutamic acid.
Molecular consequence: missense variant. On other transcripts: intron variant (1).
Genome position (GRCh38, 1-based): chr1:147,212,527, T>C on the plus strand (A>G on the coding strand, the complement: FMO5 is on the minus strand). VCF-style: chr1-147212527-T-C. GRCh37 (hg19) VCF-style: chr1-146684095-T-C.
Other names: c.496A>G, p.Lys166Glu (NM_001144829.3, NM_001144830.3); c.-90+37942T>C (NM_001348451.2); short protein forms K166E.
Identifiers: ClinVar variation 785842 (VCV000785842.20), dbSNP rs58351438, ClinGen allele CA1062934.

ClinVar aggregate classification (germline): Benign/Likely benign. Review status: criteria provided, multiple submitters, no conflicts (2 of 4 stars). 4 submissions from 4 submitters: Benign (3); Likely benign (1). Last evaluated 2025-08-18.

Allele frequency attached by ClinVar (database versions not stated): TOPMed 0.00722; ExAC 0.00795; gnomAD exomes 0.00811 and 0.00937; gnomAD 0.00717 and 0.00727; 1000 Genomes Project 30x 0.00531; 1000 Genomes Project 0.00559; ESP Exome Variant Server 0.00923.
gnomAD v4.1: 14,895 of 1,611,874 alleles (0.92%); highest among the groups gnomAD compares: Middle Eastern, 1.3%; 114 homozygotes.

Submissions (4):

Genomic Medicine Center of Excellence, King Faisal Specialist Hospital and Research Centre
Classification: Likely benign. Last evaluated: 2025-08-18. Review status: criteria provided, single submitter. Criteria: ACMG Guidelines, 2015. Collection method: clinical testing. Allele origin: germline.

CeGaT Center for Human Genetics Tuebingen
Classification: Benign. Last evaluated: 2025-06-01. Review status: criteria provided, single submitter. Criteria: CeGaT Center For Human Genetics Tuebingen Variant Classification Criteria Version 2. Collection method: clinical testing. Allele origin: germline. Affected: yes. Observed: 2 variant alleles.
Comment: FMO5: BP4, BS1, BS2

Labcorp Genetics (formerly Invitae), Labcorp
Classification: Benign. Last evaluated: 2019-12-31. Review status: criteria provided, single submitter. Criteria: Invitae Variant Classification Sherloc (09022015). Collection method: clinical testing. Allele origin: germline.

Breakthrough Genomics
Classification: Benign. Review status: criteria provided, single submitter. Criteria: ACMG Guidelines, 2015. Collection method: not provided. Allele origin: germline. Inheritance: Unknown mechanism. Affected: yes.